The following is an entry in ClinVar:

ClinVar aggregate classification (germline): Likely pathogenic (1 of 4 stars; one submission).

Conditions:
Familial adenomatous polyposis 2. Also called: COLORECTAL ADENOMATOUS POLYPOSIS, AUTOSOMAL RECESSIVE; ADENOMAS, MULTIPLE COLORECTAL, AUTOSOMAL RECESSIVE; FAP type 2; MUTYH Polyposis; MYH-associated polyposis; Adenomas, multiple colorectal. Identifiers: Orphanet 220460, Orphanet 247798, MedGen C3272841, MONDO:0012041, OMIM 608456.

Submission:

Labcorp Genetics (formerly Invitae), Labcorp
Classification: Likely pathogenic for Familial adenomatous polyposis 2. Last evaluated: 2023-11-22. Review status: criteria provided, single submitter. Criteria: Invitae Variant Classification Sherloc (09022015). Collection method: clinical testing. Allele origin: germline.
Comment: This sequence change creates a premature translational stop signal (p.Leu343Serfs*155) in the MUTYH gene. While this is not anticipated to result in nonsense mediated decay, it is expected to disrupt the last 207 amino acid(s) of the MUTYH protein. This variant is not present in population databases (gnomAD no frequency). This variant has not been reported in the literature in individuals affected with MUTYH-related conditions. This variant disrupts the conserved PCNA binding motif of the MUTYH protein, which has been shown to be critical for MUTYH-PCNA binding and repair efficiency (PMID: 11092888, 26377631, 11433026, 11864576). While functional studies have not been performed to directly test the effect of this variant on MUTYH protein function, this suggests that disruption of this region of the protein is causative of disease. In summary, the currently available evidence indicates that the variant is pathogenic, but additional data are needed to prove that conclusively. Therefore, this variant has been classified as Likely Pathogenic.

Literature cited by the submitters: PubMed 11092888; PubMed 26377631; PubMed 11433026; PubMed 11864576.

NM_001048174.2(MUTYH):c.942_1042del (p.Leu315fs)

Gene: MUTYH (mutY DNA glycosylase; minus strand). Cytogenetic location: 1p34.1.
Variant type: Deletion.
Coding change: c.942_1042del on transcript NM_001048174.2 (MANE Select); coding-DNA positions 942 to 1042, 101 bases deleted.
Protein change: p.Leu315fs; shifts the reading frame from leucine 315.
Molecular consequence: frameshift variant. On other transcripts: non-coding transcript variant (7).
Genome position (GRCh38, 1-based): chr1:45,331,721-45,331,821, 101 bases deleted. GRCh37 (hg19): chr1:45,797,404-45,797,504.
Other names: c.942_1042del, p.Leu315fs (NM_001048171.2, NM_001048173.2, NM_001293195.2 and 6 more transcripts); c.945_1045del, p.Leu316fs (NM_001048172.2, NM_001407071.1, NM_001407078.1 and 1 more transcripts); c.1026_1126del, p.Leu343fs (NM_001128425.2); c.987_1087del, p.Leu330fs (NM_001293190.2); c.975_1075del, p.Leu326fs (NM_001293191.2, NM_001407069.1, NM_001407077.1); c.666_766del, p.Leu223fs (NM_001293192.2, NM_001293196.2, NM_001407091.1); c.597_697del, p.Leu200fs (NM_001350650.2, NM_001350651.2, NM_001407082.1); c.858_958del, p.Leu287fs (NM_001407075.1); and 5 more; short protein forms L200fs, L302fs, L287fs, L315fs, L326fs, L340fs, L343fs, L301fs.
Identifiers: ClinVar variation 2698188 (VCV002698188.3), dbSNP rs2523998901, ClinGen allele CA2697552385.